The following is an entry in ClinVar:

ClinVar aggregate classification (germline): Pathogenic (3 of 4 stars; one submission).

Conditions:
Glanzmann thrombasthenia. Also called: Glanzmann's thrombasthenia; PLATELET GLYCOPROTEIN IIb-IIIa DEFICIENCY; BLEEDING DISORDER, PLATELET-TYPE, 2; THROMBASTHENIA OF GLANZMANN AND NAEGELI; Thrombasthenia. Identifiers: Orphanet 849, MedGen C0040015, MONDO:0100326.

Allele frequency attached by ClinVar (database versions not stated): gnomAD exomes 0.00001; ExAC 0.00002; gnomAD 0.00002 and 0.00003; TOPMed 0.00002.
gnomAD v4.1: 12 of 1,613,882 alleles (0.00074%); highest among the groups gnomAD compares: South Asian, 0.0033%; no homozygotes.

Submission:

ClinGen Platelet Disorders Variant Curation Expert Panel, ClinGen
Classification: Pathogenic for Glanzmann thrombasthenia. Last evaluated: 2020-11-10. Review status: reviewed by expert panel. Criteria: ClinGen Platelet ACMG Specifications v2. Collection method: curation. Allele origin: germline. Inheritance: Autosomal recessive inheritance.
Comment: The NM_000419.4:c.1652G>A (p.Arg551Gln) variant is reported in at least 4 homozygous GT probands in the literature (PMIDs: 26096001, 29675921, 19172520) as well as two additional affected family members (PMID: 26096001). It is found at an extremely low frequency with a MAF of 0.00006536 in the South Asian gnomAD population. And it is predicted damaging by in-silico tools (REVEL score of 0.739). It occurs at the same amino acid residue as Pathogenic variant NM_000419.5:c.1651C>T (p.Arg551Trp). In summary, this variant meets criteria to be classified as Pathogenic for GT. GT-specific criteria applied: PM2_Supporting, PM3, PP1_Moderate, PP3, PP4_Strong, and PM5.

Literature cited by the submitters: PubMed 19172520.

NM_000419.5(ITGA2B):c.1652G>A (p.Arg551Gln)

Gene: ITGA2B (integrin subunit alpha 2b; minus strand). Cytogenetic location: 17q21.31.
Variant type: single nucleotide variant.
Coding change: c.1652G>A on transcript NM_000419.5 (MANE Select); coding-DNA position 1652, G replaced by A.
Protein change: p.Arg551Gln; replaces arginine 551 with glutamine.
Molecular consequence: missense variant.
Genome position (GRCh38, 1-based): chr17:44,380,102, C>T on the plus strand (G>A on the coding strand, the complement: ITGA2B is on the minus strand). VCF-style: chr17-44380102-C-T. GRCh37 (hg19) VCF-style: chr17-42457470-C-T.
Other names: short protein forms R551Q.
Identifiers: ClinVar variation 996210 (VCV000996210.2), dbSNP rs769405222, ClinGen allele CA8602986.
Genomic context (GRCh38, chr17:44,380,102, plus strand): 5'-TTTCCGCCCAGATCCAGGTTCAGGGTGGTGCCTGCCTGTTGAGAGCCCAGCAGCAGCACC[C>T]GCCGGCCCTGGCGGGGCTTCTGCCGGTCCAGCTGCAGCTCGGCATTTAGGGCTGGCAGGG-3'
Protein context (NP_000410.2, residues 541-561): LDRQKPRQGR[Arg551Gln]VLLLGSQQAG